The following is an entry in ClinVar:

NM_001038.6(SCNN1A):c.128C>T (p.Ala43Val)

Gene: SCNN1A (sodium channel epithelial 1 subunit alpha; minus strand). Cytogenetic location: 12p13.31.
Variant type: single nucleotide variant.
Coding change: c.128C>T on transcript NM_001038.6 (MANE Select); coding-DNA position 128, C replaced by T.
Protein change: p.Ala43Val; replaces alanine 43 with valine.
Molecular consequence: missense variant.
Genome position (GRCh38, 1-based): chr12:6,374,656, G>A on the plus strand (C>T on the coding strand, the complement: SCNN1A is on the minus strand). VCF-style: chr12-6374656-G-A. GRCh37 (hg19) VCF-style: chr12-6483822-G-A.
Other names: c.128C>T (NM_001038.5); c.197C>T, p.Ala66Val (NM_001159575.2); c.305C>T, p.Ala102Val (NM_001159576.2); short protein forms A102V, A43V, A66V.
Identifiers: ClinVar variation 1953437 (VCV001953437.5), dbSNP rs759745474, ClinGen allele CA6406298.

ClinVar aggregate classification (germline): Uncertain significance. Review status: criteria provided, multiple submitters, no conflicts (2 of 4 stars). 3 submissions from 3 submitters: Uncertain significance (3). Last evaluated 2024-02-21.

Conditions:
Inborn genetic diseases. Identifiers: MedGen C0950123, MeSH D030342.
Bronchiectasis with or without elevated sweat chloride 2 (BESC2). Identifiers: Orphanet 60033, MedGen C2751666, MONDO:0013087, OMIM 613021.
Pseudohypoaldosteronism, type IB1, autosomal recessive. Also called: Pseudohypoaldosteronism, Type I, Autosomal Recessive; Pseudohypoaldosteronism, Type I, Recessive; PHA I, AUTOSOMAL RECESSIVE; Autosomal recessive pseudohypoaldosteronism type 1. Identifiers: Orphanet 171876, Orphanet 756, MedGen C5774176, MONDO:0009917, OMIM 264350.
Liddle syndrome 3. Identifiers: MedGen C4748292, MONDO:0029132, OMIM 618126.

Allele frequency attached by ClinVar (database versions not stated): gnomAD 0.00001; TOPMed 0.00004.

Submissions (3):

Ambry Genetics
Classification: Uncertain significance for Inborn genetic diseases. Last evaluated: 2024-02-21. Review status: criteria provided, single submitter. Criteria: Ambry Variant Classification Scheme 2023. Collection method: clinical testing. Allele origin: germline.

Fulgent Genetics
Classification: Uncertain significance for Pseudohypoaldosteronism, type IB1, autosomal recessive; Bronchiectasis with or without elevated sweat chloride 2; Liddle syndrome 3. Last evaluated: 2023-12-29. Review status: criteria provided, single submitter. Criteria: ACMG Guidelines, 2015. Collection method: clinical testing. Allele origin: germline.

Labcorp Genetics (formerly Invitae), Labcorp
Classification: Uncertain significance. Last evaluated: 2022-05-29. Review status: criteria provided, single submitter. Criteria: Invitae Variant Classification Sherloc (09022015). Collection method: clinical testing. Allele origin: germline.
Comment: In summary, the available evidence is currently insufficient to determine the role of this variant in disease. Therefore, it has been classified as a Variant of Uncertain Significance. Algorithms developed to predict the effect of missense changes on protein structure and function (SIFT, PolyPhen-2, Align-GVGD) all suggest that this variant is likely to be tolerated. This variant has not been reported in the literature in individuals affected with SCNN1A-related conditions. This variant is present in population databases (rs759745474, gnomAD 0.03%). This sequence change replaces alanine, which is neutral and non-polar, with valine, which is neutral and non-polar, at codon 43 of the SCNN1A protein (p.Ala43Val).